The following is an entry in ClinVar:

NM_014920.5(CILK1):c.454T>C (p.Ser152Pro)

Gene: CILK1 (ciliogenesis associated kinase 1; minus strand). Cytogenetic location: 6p12.1.
Variant type: single nucleotide variant.
Coding change: c.454T>C on transcript NM_014920.5 (MANE Select); coding-DNA position 454, T replaced by C.
Protein change: p.Ser152Pro; replaces serine 152 with proline.
Molecular consequence: missense variant. On other transcripts: non-coding transcript variant (1).
Genome position (GRCh38, 1-based): chr6:53,019,264, A>G on the plus strand (T>C on the coding strand, the complement: CILK1 is on the minus strand). VCF-style: chr6-53019264-A-G. GRCh37 (hg19) VCF-style: chr6-52884062-A-G.
Other names: c.454T>C, p.Ser152Pro (NM_001375397.1, NM_001375398.1, NM_001375399.1 and 4 more transcripts); short protein forms S152P.
Identifiers: ClinVar variation 5007084 (VCV005007084.2).
Genomic context (GRCh38, chr6:53,019,264, plus strand): 5'-ATTTTGAGAAAAATGGTATTCACCATCTGGTAGATACATAATCTGTATATGGAGGTTTTG[A>G]TCGTATTTCTCGGGCCAAACCAAAGTCTGCAATTTTCACAAGTTCTGGTCCCATGCAGAG-3'
Protein context (NP_055735.1, residues 142-162): ADFGLAREIR[Ser152Pro]KPPYTDYVST

ClinVar aggregate classification (germline): Uncertain significance (1 of 4 stars; one submission).

Conditions:
Endocrine-cerebro-osteodysplasia syndrome. Identifiers: Orphanet 199332, MedGen C2675227, MONDO:0012980, OMIM 612651.
Epilepsy, juvenile myoclonic, susceptibility to, 10. Identifiers: MedGen C4693613, MONDO:0060671, OMIM 617924.

gnomAD v4.1: 1 of 1,614,044 alleles (0.000062%); highest among the groups gnomAD compares: Non-Finnish European, 0.000085%; no homozygotes.

Submission:

Juno Genomics, Hangzhou Juno Genomics, Inc
Classification: Uncertain significance for Epilepsy, juvenile myoclonic, susceptibility to, 10; Endocrine-cerebro-osteodysplasia syndrome. Review status: criteria provided, single submitter. Criteria: ACMG Guidelines, 2015. Collection method: clinical testing. Allele origin: germline.
Comment: Absent from controls (or at extremely low frequency if recessive) in Genome Aggregation Database.